The following is an entry in ClinVar:

NM_152564.5(VPS13B):c.6635A>C (p.Asp2212Ala)

Gene: VPS13B (vacuolar protein sorting 13 homolog B; plus strand). Cytogenetic location: 8q22.2.
Variant type: single nucleotide variant.
Coding change: c.6635A>C on transcript NM_152564.5 (MANE Select); coding-DNA position 6635, A replaced by C.
Protein change: p.Asp2212Ala; replaces aspartic acid 2212 with alanine.
Molecular consequence: missense variant.
Genome position (GRCh38, 1-based): chr8:99,717,351, A>C. VCF-style: chr8-99717351-A-C. GRCh37 (hg19) VCF-style: chr8-100729579-A-C.
Other names: c.6710A>C, p.Asp2237Ala (NM_017890.5); short protein forms D2212A, D2237A.
Identifiers: ClinVar variation 1003518 (VCV001003518.7), dbSNP rs1832965733, ClinGen allele CA371867461.

ClinVar aggregate classification (germline): Uncertain significance (1 of 4 stars; one submission).

Conditions:
Cohen syndrome (COH1). Also called: PEPPER SYNDROME; Cutis verticis gyrata, retinitis pigmentosa, and sensorineural deafness. Identifiers: Orphanet 193, MedGen C0265223, MONDO:0008999, OMIM 216550.

Submission:

Labcorp Genetics (formerly Invitae), Labcorp
Classification: Uncertain significance for Cohen syndrome. Last evaluated: 2021-01-14. Review status: criteria provided, single submitter. Criteria: Invitae Variant Classification Sherloc (09022015). Collection method: clinical testing. Allele origin: germline.
Comment: This sequence change replaces aspartic acid with alanine at codon 2237 of the VPS13B protein (p.Asp2237Ala). The aspartic acid residue is moderately conserved and there is a moderate physicochemical difference between aspartic acid and alanine. This variant is not present in population databases (ExAC no frequency). This variant has not been reported in the literature in individuals with VPS13B-related conditions. Algorithms developed to predict the effect of missense changes on protein structure and function are either unavailable or do not agree on the potential impact of this missense change (SIFT: "Not Available"; PolyPhen-2: "Possibly Damaging"; Align-GVGD: "Not Available"). In summary, the available evidence is currently insufficient to determine the role of this variant in disease. Therefore, it has been classified as a Variant of Uncertain Significance.